The following is an entry in ClinVar:

ClinVar aggregate classification (germline): Uncertain significance (1 of 4 stars; one submission).

Allele frequency attached by ClinVar (database versions not stated): gnomAD exomes 0.00001; TOPMed 0.00002.

Submission:

Labcorp Genetics (formerly Invitae), Labcorp
Classification: Uncertain significance. Last evaluated: 2022-01-15. Review status: criteria provided, single submitter. Criteria: Invitae Variant Classification Sherloc (09022015). Collection method: clinical testing. Allele origin: germline.
Comment: In summary, the available evidence is currently insufficient to determine the role of this variant in disease. Therefore, it has been classified as a Variant of Uncertain Significance. Algorithms developed to predict the effect of missense changes on protein structure and function output the following: SIFT: "Tolerated"; PolyPhen-2: "Benign"; Align-GVGD: "Class C0". The threonine amino acid residue is found in multiple mammalian species, which suggests that this missense change does not adversely affect protein function. This variant has not been reported in the literature in individuals affected with RNF113A-related conditions. This variant is not present in population databases (gnomAD no frequency). This sequence change replaces alanine, which is neutral and non-polar, with threonine, which is neutral and polar, at codon 322 of the RNF113A protein (p.Ala322Thr).

NM_006978.3(RNF113A):c.964G>A (p.Ala322Thr)

Gene: RNF113A (ring finger protein 113A; minus strand). Cytogenetic location: Xq24.
Variant type: single nucleotide variant.
Coding change: c.964G>A on transcript NM_006978.3 (MANE Select); coding-DNA position 964, G replaced by A.
Protein change: p.Ala322Thr; replaces alanine 322 with threonine.
Molecular consequence: missense variant.
Genome position (GRCh38, 1-based): chrX:119,870,650, C>T on the plus strand (G>A on the coding strand, the complement: RNF113A is on the minus strand). VCF-style: chrX-119870650-C-T. GRCh37 (hg19) VCF-style: chrX-119004613-C-T.
Other names: short protein forms A322T.
Identifiers: ClinVar variation 2189549 (VCV002189549.4), dbSNP rs1216757713, ClinGen allele CA414186415.
Genomic context (GRCh38, chrX:119,870,650, plus strand): 5'-TGGGAATTGCATCCTCATCGGGGTCTTCTGGCAAGTCGGAAGCACCACCCTCTCCTGTAG[C>T]TCGATGCTTCTCTAGTTTAGCAATCAATTCTTTCGCTGGATTGAAGACGCCATTGGTCTG-3'
Protein context (NP_008909.1, residues 312-332): ELIAKLEKHR[Ala322Thr]TGEGGASDLP